The following is an entry in ClinVar:

ClinVar aggregate classification (germline): Uncertain significance. Review status: criteria provided, multiple submitters, no conflicts (2 of 4 stars). 5 submissions from 5 submitters: Uncertain significance (5). Last evaluated 2026-02-01.

Conditions:
Familial hemophagocytic lymphohistiocytosis 2 (FHL2). Also called: PRF1-Related Familial Hemophagocytic Lymphohistiocytosis (PRF1-fHLH). Identifiers: Orphanet 540, MedGen C1863727, MONDO:0011337, OMIM 603553.
Aplastic anemia. Identifiers: Orphanet 182040, Orphanet 88, MedGen C0002874, MONDO:0015909, OMIM 609135, HP:0001915.
Lymphoma, non-Hodgkin, familial. Identifiers: MedGen C4721532, MONDO:0011508, OMIM 605027.

Allele frequency attached by ClinVar (database versions not stated): ExAC 0.00006; gnomAD exomes 0.00008; gnomAD 0.00009; TOPMed 0.00009.
gnomAD v4.1: 184 of 1,613,918 alleles (0.011%); highest among the groups gnomAD compares: Non-Finnish European, 0.014%; no homozygotes.

Submissions (5):

Labcorp Genetics (formerly Invitae), Labcorp
Classification: Uncertain significance for Familial hemophagocytic lymphohistiocytosis 2. Last evaluated: 2026-02-01. Review status: criteria provided, single submitter. Criteria: Invitae Variant Classification Sherloc (09022015). Collection method: clinical testing. Allele origin: germline.
Comment: This sequence change replaces arginine, which is basic and polar, with cysteine, which is neutral and slightly polar, at codon 177 of the PRF1 protein (p.Arg177Cys). This variant is present in population databases (rs201468340, gnomAD 0.02%). This missense change has been observed in individual(s) with hemophagocytic lymphohistiocytosis (PMID: 40090000). ClinVar contains an entry for this variant (Variation ID: 834984). Invitae Evidence Modeling of protein sequence and biophysical properties (such as structural, functional, and spatial information, amino acid conservation, physicochemical variation, residue mobility, and thermodynamic stability) indicates that this missense variant is expected to disrupt PRF1 protein function with a positive predictive value of 95%. In summary, the available evidence is currently insufficient to determine the role of this variant in disease. Therefore, it has been classified as a Variant of Uncertain Significance.

Women's Health and Genetics/Laboratory Corporation of America, LabCorp
Classification: Uncertain significance. Last evaluated: 2025-03-14. Review status: criteria provided, single submitter. Criteria: LabCorp Variant Classification Summary - May 2015. Collection method: clinical testing. Allele origin: germline.
Comment: Variant summary: PRF1 c.529C>T (p.Arg177Cys) results in a non-conservative amino acid change in the encoded protein sequence. Three of five in-silico tools predict a damaging effect of the variant on protein function. The variant allele was found at a frequency of 7.6e-05 in 251026 control chromosomes. This frequency is not significantly higher than estimated for a pathogenic variant in PRF1 causing Familial Hemophagocytic Lymphohistiocytosis (7.6e-05 vs 0.0027), allowing no conclusion about variant significance. c.529C>T has been reported in an unclear zygosity in the literature in at least 1 individual affected with Familial Hemophagocytic Lymphohistiocytosis (example, An_2013). These report(s) do not provide unequivocal conclusions about association of the variant with Familial Hemophagocytic Lymphohistiocytosis. To our knowledge, no experimental evidence demonstrating an impact on protein function has been reported. The following publication has been ascertained in the context of this evaluation (PMID: 23592409). ClinVar contains an entry for this variant (Variation ID: 834984). Based on the evidence outlined above, the variant was classified as uncertain significance.

Blueprint Genetics
Classification: Uncertain significance. Last evaluated: 2024-11-26. Review status: criteria provided, single submitter. Criteria: ACMG Guidelines, 2015. Collection method: clinical testing. Allele origin: germline.

Fulgent Genetics
Classification: Uncertain significance for Familial hemophagocytic lymphohistiocytosis 2; Lymphoma, non-Hodgkin, familial; Aplastic anemia. Last evaluated: 2022-04-18. Review status: criteria provided, single submitter. Criteria: ACMG Guidelines, 2015. Collection method: clinical testing. Allele origin: unknown.

Genetic Services Laboratory, University of Chicago
Classification: Uncertain significance. Last evaluated: 2021-05-19. Review status: criteria provided, single submitter. Criteria: ACMG Guidelines, 2015. Collection method: clinical testing. Allele origin: germline. Affected: no.
Comment: DNA sequence analysis of the PRF1 gene demonstrated a sequence change, c.529C>T, in exon 2 that results in an amino acid change, p.Arg177Cys. This sequence change has been described in the gnomAD database with a frequency of 0.016% in the European (non-Finnish) subpopulation (dbSNP rs201468340). The p.Arg177Cys change affects a moderately conserved amino acid residue located in a domain of the PRF1 protein that is known to be functional. In-silico pathogenicity prediction tools (SIFT, PolyPhen2, Align GVGD, REVEL) provide contradictory results for the p.Arg177Cys substitution. This sequence change has been previously described in two patients with anaplastic large cell lymphoma (PMID: 24309606, 17477373). Due to the lack of sufficient evidences, the clinical significance of the p.Arg177Cys change remains unknown at this time.

Literature cited by the submitters: PubMed 40090000 (cited by Labcorp Genetics (formerly Invitae), Labcorp); PubMed 23592409 (cited by Women's Health and Genetics/Laboratory Corporation of America, LabCorp).

NM_001083116.3(PRF1):c.529C>T (p.Arg177Cys)

Gene: PRF1 (perforin 1; minus strand). Cytogenetic location: 10q22.1.
Variant type: single nucleotide variant.
Coding change: c.529C>T on transcript NM_001083116.3 (MANE Select); coding-DNA position 529, C replaced by T.
Protein change: p.Arg177Cys; replaces arginine 177 with cysteine.
Molecular consequence: missense variant.
Genome position (GRCh38, 1-based): chr10:70,600,374, G>A on the plus strand (C>T on the coding strand, the complement: PRF1 is on the minus strand). VCF-style: chr10-70600374-G-A. GRCh37 (hg19) VCF-style: chr10-72360130-G-A.
Other names: c.529C>T, p.Arg177Cys (NM_005041.6); short protein forms R177C.
Identifiers: ClinVar variation 834984 (VCV000834984.12), dbSNP rs201468340, ClinGen allele CA5539014.